The following is an entry in ClinVar:

ClinVar aggregate classification (germline): Likely benign. Review status: reviewed by expert panel (3 of 4 stars). 3 submissions from 3 submitters: Likely benign (1). 2 of the submissions do not count toward it. Last evaluated 2024-08-28.

Conditions:
Hereditary thrombocytopenia and hematologic cancer predisposition syndrome. Identifiers: Orphanet 71290, MedGen CN281654, MONDO:0011071.
Inborn genetic diseases. Identifiers: MedGen C0950123, MeSH D030342.
Hereditary thrombocytopenia and hematological cancer predisposition syndrome associated with RUNX1. Also called: Familial Platelet Disorder with Propensity to Acute Myelogenous Leukemia; Familial thrombocytopenia with propensity to acute myelogenous leukemia; PLATELET DISORDER, ASPIRIN-LIKE; RUNX1 Familial Platelet Disorder with Associated Myeloid Malignancies. Identifiers: Orphanet 71290, MedGen C1832388, MeSH C563324, MONDO:0100083, OMIM 601399.

Allele frequency attached by ClinVar (database versions not stated): TOPMed 0.00001; gnomAD exomes below 0.00001.
gnomAD v4.1: 1 of 1,538,674 alleles (0.000065%); highest among the groups gnomAD compares: Non-Finnish European, 0.000087%; no homozygotes.

Submissions (3):

ClinGen Myeloid Malignancy Variant Curation Expert Panel
Classification: Likely benign for Hereditary thrombocytopenia and hematologic cancer predisposition syndrome. Last evaluated: 2024-08-28. Review status: reviewed by expert panel. Criteria: ClinGen MyeloMalig ACMG Specifications v2. Collection method: curation. Allele origin: germline. Inheritance: Autosomal dominant inheritance.
Comment: NM_001754.5(RUNX1):c.1317C>T (p.Ser439=) is a synonymous variant which is completely absent from all population databases with at least 20x coverage for RUNX1 (PM2_supporting). The variant is predicted by SSF and MES to lead to either an increase in the canonical splice site score or a decrease of the canonical splice site score by no more than 10%, and no putative cryptic splice sites are created. Additionally, evolutionary conservation algorithms predict the site as not being highly conserved (PhyloP score: -0.44 < 0.1 [-14.1; 6.4]) (BP4, BP7). In summary, this variant meets criteria to be classified as likely benign. ACMG/AMP criteria applied, as specified by the ClinGen Myeloid Malignancy Variant Curation Expert Panel for RUNX1: BP4, BP7, PM2_supporting.

Labcorp Genetics (formerly Invitae), Labcorp
Classification: Likely benign for Hereditary thrombocytopenia and hematological cancer predisposition syndrome associated with RUNX1. Last evaluated: 2025-09-05. Review status: criteria provided, single submitter. Criteria: Invitae Variant Classification Sherloc (09022015). Collection method: clinical testing. Allele origin: germline. Not counted in ClinVar's aggregate classification.

Ambry Genetics
Classification: Likely benign for Inborn genetic diseases. Last evaluated: 2025-03-06. Review status: criteria provided, single submitter. Criteria: Ambry Variant Classification Scheme 2023. Collection method: clinical testing. Allele origin: germline. Not counted in ClinVar's aggregate classification.

NM_001754.5(RUNX1):c.1317C>T (p.Ser439=)

Gene: RUNX1 (RUNX family transcription factor 1; minus strand). Cytogenetic location: 21q22.12.
Variant type: single nucleotide variant.
Coding change: c.1317C>T on transcript NM_001754.5 (MANE Select); coding-DNA position 1317, C replaced by T.
Protein change: p.Ser439=; no amino-acid change (serine 439 retained).
Molecular consequence: synonymous variant.
Genome position (GRCh38, 1-based): chr21:34,792,261, G>A on the plus strand (C>T on the coding strand, the complement: RUNX1 is on the minus strand). VCF-style: chr21-34792261-G-A. GRCh37 (hg19) VCF-style: chr21-36164558-G-A.
Other names: NM_001754.5(RUNX1):c.1317C>T; c.1317C>T (NM_001754.4); c.1236C>T, p.Ser412= (NM_001001890.3).
Identifiers: ClinVar variation 415831 (VCV000415831.12), dbSNP rs1060504667, ClinGen allele CA16616504.